The following is an entry in ClinVar:

ClinVar aggregate classification (germline): Pathogenic (1 of 4 stars; one submission).

Submission:

Labcorp Genetics (formerly Invitae), Labcorp
Classification: Pathogenic. Last evaluated: 2025-07-21. Review status: criteria provided, single submitter. Criteria: Invitae Variant Classification Sherloc (09022015). Collection method: clinical testing. Allele origin: germline.
Comment: This sequence change creates a premature translational stop signal (p.Asp3026Valfs*39) in the UNC80 gene. It is expected to result in an absent or disrupted protein product. Loss-of-function variants in UNC80 are known to be pathogenic (PMID: 26545877, 26708751, 26708753). This variant is not present in population databases (gnomAD no frequency). This variant has not been reported in the literature in individuals affected with UNC80-related conditions. Algorithms developed to predict the effect of sequence changes on RNA splicing suggest that this variant may disrupt the consensus splice site. For these reasons, this variant has been classified as Pathogenic.

Literature cited by the submitters: PubMed 26545877; PubMed 26708751; PubMed 26708753.

NM_001371986.1(UNC80):c.9275del (p.Asp3092fs)

Gene: UNC80 (unc-80 subunit of NALCN channel complex; plus strand). Cytogenetic location: 2q34.
Variant type: Deletion.
Coding change: c.9275del on transcript NM_001371986.1 (MANE Select); coding-DNA position 9275, one base deleted (A; older notation c.9275delA).
Protein change: p.Asp3092fs; shifts the reading frame from aspartic acid 3092.
Molecular consequence: frameshift variant. On other transcripts: intron variant (1).
Genome position (GRCh38, 1-based): chr2:209,984,873, A deleted. VCF-style (leftmost placement, unchanged base first): chr2-209984872-GA-G. GRCh37 (hg19) VCF-style: chr2-210849596-GA-G.
Other names: c.9077del, p.Asp3026fs (NM_032504.2); c.9044+2556del (NM_182587.4); short protein forms D3092fs, D3026fs.
Identifiers: ClinVar variation 4773535 (VCV004773535.1).
Genomic context (GRCh38, chr2:209,984,872, plus strand): 5'-CATTTTCTTTCCCTAAATGCTTCATCTCCCTACCCCTCCTGCAGTGAACCTAATGTCCTC[GA>G]TGACTCCCAGGGCCTGGCCGCCGAGGGCAGCCTCTCTAGGTACAGTGTCAATGCTACCTG-3'